The following is an entry in ClinVar:

NM_000179.3(MSH6):c.908T>G (p.Met303Arg)

Gene: MSH6 (mutS homolog 6; plus strand). Cytogenetic location: 2p16.3.
Variant type: single nucleotide variant.
Coding change: c.908T>G on transcript NM_000179.3 (MANE Select); coding-DNA position 908, T replaced by G.
Protein change: p.Met303Arg; replaces methionine 303 with arginine.
Molecular consequence: missense variant. On other transcripts: initiator codon variant (9), non-coding transcript variant (4), intron variant (1).
Genome position (GRCh38, 1-based): chr2:47,798,891, T>G. VCF-style: chr2-47798891-T-G. GRCh37 (hg19) VCF-style: chr2-48026030-T-G.
Other names: c.611T>G, p.Met204Arg (NM_001406797.1, NM_001406801.1, NM_001406805.1 and 10 more transcripts); c.908T>G, p.Met303Arg (NM_001406798.1, NM_001406800.1, NM_001406803.1 and 4 more transcripts); c.383T>G, p.Met128Arg (NM_001406799.1, NM_001406806.1, NM_001406807.1); c.1004T>G, p.Met335Arg (NM_001406802.1, NM_001406795.1); c.830T>G, p.Met277Arg (NM_001406804.1); c.518T>G, p.Met173Arg (NM_001281492.2); c.2T>G, p.Met1Arg (NM_001281493.2, NM_001281494.2, NM_001406811.1 and 6 more transcripts); c.914T>G, p.Met305Arg (NM_001406813.1); and 2 more; short protein forms M128R, M335R, M1R, M204R, M305R, M173R, M277R, M247R.
Identifiers: ClinVar variation 3677021 (VCV003677021.2).

ClinVar aggregate classification (germline): Uncertain significance (1 of 4 stars; one submission).

Conditions:
Hereditary nonpolyposis colorectal neoplasms. Identifiers: MedGen C0009405, MeSH D003123.

gnomAD v4.1: 2 of 1,614,110 alleles (0.00012%); highest among the groups gnomAD compares: Non-Finnish European, 0.00017%; no homozygotes.

Submission:

Labcorp Genetics (formerly Invitae), Labcorp
Classification: Uncertain significance for Hereditary nonpolyposis colorectal neoplasms. Last evaluated: 2025-01-23. Review status: criteria provided, single submitter. Criteria: Invitae Variant Classification Sherloc (09022015). Collection method: clinical testing. Allele origin: germline.
Comment: This sequence change replaces methionine, which is neutral and non-polar, with arginine, which is basic and polar, at codon 303 of the MSH6 protein (p.Met303Arg). This variant is not present in population databases (gnomAD no frequency). This variant has not been reported in the literature in individuals affected with MSH6-related conditions. Invitae Evidence Modeling of protein sequence and biophysical properties (such as structural, functional, and spatial information, amino acid conservation, physicochemical variation, residue mobility, and thermodynamic stability) indicates that this missense variant is not expected to disrupt MSH6 protein function with a negative predictive value of 95%. In summary, the available evidence is currently insufficient to determine the role of this variant in disease. Therefore, it has been classified as a Variant of Uncertain Significance.